The following is an entry in ClinVar:

ClinVar aggregate classification (germline): Uncertain significance (1 of 4 stars; one submission).

Submission:

Clinical Genomics Laboratory, Laboratory for Precision Diagnostics, University of Washington
Classification: Uncertain significance. Last evaluated: 2024-08-30. Review status: criteria provided, single submitter. Criteria: ACMG/ClinGen CNV Guidelines, 2019. Collection method: clinical testing. Allele origin: unknown. Affected: yes. Observed: 1 variant allele.
Comment: This interstitial deletion is approximately 314 kb in size and affects three protein-coding genes: DIP2C, LARP4B, and GTPBP4. The deletion removes the first exon (a coding exon) of DIP2C, all of LARP4B, and at least the first exon (a coding exon) of GTPBP4. It does not affect the coding region of ZMYND11, a nearby gene known to cause developmental delay, autism spectrum disorder, and intellectual disability. None of the genes in this region are proven to cause medical problems in humans when one copy is deleted (haploinsufficiency), and this is not a known haploinsufficient genomic region. However, DIP2C, LARP4B, and GTPBP4 are all predicted to be haploinsufficient by all four of the current models. DECIPHER patient 411993 has microcephaly, micrognathia, and global developmental delay and was found to have an isolated 135 kb deletion affecting only LARP4BA. Inheritance of the deletion is unknown. PMID: 38421105 described 23 individuals, all manifesting developmental delays that primarily affect expressive language and speech articulation, with 17 different heterozygous DIP2C variants. Many of these people also had variable distinctive facial features. Fifteen of the 17 DIP2C variants were predicted to result in loss of function, and two were de novo missense variants. Eight patients had de novo variants predicting DIP2C loss-of-function, three had paternally inherited loss-of-function variants, and six had maternally inherited loss-of-function variants. Expressivity was variable, with some parents having learning difficulties in school, mild intellectual disability, or a history of marked speech delay in childhood, sometimes continuing as poor articulation as an adult. Penetrance was incomplete, with at least one instance of inheritance from an unaffected parent. The Database of Genomic Variants has one deletion of this region (esv2660097) seen in 1 of 1151 people; no similar deletions appear in gnomAD.

Literature cited by the submitters: PubMed 38421105; PubMed 34617658.

GRCh38/hg38 10p15.3(chr10:676792-991251)x1

Genes: DIP2C (DIP2 acetate--CoA ligase C (putative); minus strand), GTPBP4 (GTP binding protein 4; plus strand), LARP4B (La ribonucleoprotein 4B; minus strand), LARP4B-DT (LARP4B divergent transcript; plus strand), LOC111589206 (HNF4 motif-containing MPRA enhancer 225; plus strand) and 7 more. Cytogenetic location: 10p15.3.
Variant type: copy number loss.
Change: copy number 1 (one copy instead of two) of chr10:676,792-991,251 (314.5 kb, GRCh38 coordinates, 1-based), cytogenetic band 10p15.3.
Identifiers: ClinVar variation 4974703 (VCV004974703.1).